The following is an entry in ClinVar:

NM_000334.4(SCN4A):c.5387G>A (p.Gly1796Asp)

Genes: SCN4A (sodium voltage-gated channel alpha subunit 4; minus strand), GH-LCR (growth hormone locus control region; plus strand). Cytogenetic location: 17q23.3.
Variant type: single nucleotide variant.
Coding change: c.5387G>A on transcript NM_000334.4 (MANE Select); coding-DNA position 5387, G replaced by A.
Protein change: p.Gly1796Asp; replaces glycine 1796 with aspartic acid.
Molecular consequence: missense variant.
Genome position (GRCh38, 1-based): chr17:63,940,895, C>T on the plus strand (G>A on the coding strand, the complement: SCN4A is on the minus strand). VCF-style: chr17-63940895-C-T. GRCh37 (hg19) VCF-style: chr17-62018255-C-T.
Other names: short protein forms G1796D.
Identifiers: ClinVar variation 2079436 (VCV002079436.5), dbSNP rs762407587, ClinGen allele CA400610465.

ClinVar aggregate classification (germline): Uncertain significance. Review status: criteria provided, multiple submitters, no conflicts (2 of 4 stars). 3 submissions from 3 submitters: Uncertain significance (3). Last evaluated 2026-01-20.

Conditions:
Inborn genetic diseases. Identifiers: MedGen C0950123, MeSH D030342.
Hyperkalemic periodic paralysis. Also called: Familial hyperkalemic periodic paralysis; Gamstorp disease. Identifiers: Orphanet 682, MedGen C0238357, MONDO:0008224, OMIM 170500, HP:0007215.

Allele frequency attached by ClinVar (database versions not stated): gnomAD 0.00001; TOPMed 0.00002.

Submissions (3):

Labcorp Genetics (formerly Invitae), Labcorp
Classification: Uncertain significance for Hyperkalemic periodic paralysis. Last evaluated: 2026-01-20. Review status: criteria provided, single submitter. Criteria: Invitae Variant Classification Sherloc (09022015). Collection method: clinical testing. Allele origin: germline.
Comment: This sequence change replaces glycine, which is neutral and non-polar, with aspartic acid, which is acidic and polar, at codon 1796 of the SCN4A protein (p.Gly1796Asp). This variant is present in population databases (no rsID available, gnomAD 0.002%). This variant has not been reported in the literature in individuals affected with SCN4A-related conditions. ClinVar contains an entry for this variant (Variation ID: 2079436). Invitae Evidence Modeling of protein sequence and biophysical properties (such as structural, functional, and spatial information, amino acid conservation, physicochemical variation, residue mobility, and thermodynamic stability) indicates that this missense variant is not expected to disrupt SCN4A protein function with a negative predictive value of 95%. In summary, the available evidence is currently insufficient to determine the role of this variant in disease. Therefore, it has been classified as a Variant of Uncertain Significance.

Ambry Genetics
Classification: Uncertain significance for Inborn genetic diseases. Last evaluated: 2025-09-25. Review status: criteria provided, single submitter. Criteria: Ambry Variant Classification Scheme 2023. Collection method: clinical testing. Allele origin: germline.

Revvity Omics, Revvity
Classification: Uncertain significance. Last evaluated: 2023-09-06. Review status: criteria provided, single submitter. Criteria: ACMG Guidelines, 2015. Collection method: clinical testing. Allele origin: germline.